The following is an entry in ClinVar:

NM_130384.3(ATRIP):c.336C>G (p.Phe112Leu)

Genes: ATRIP (ATR interacting protein; plus strand), ATRIP-TREX1 (ATRIP-TREX1 readthrough; plus strand). Cytogenetic location: 3p21.31.
Variant type: single nucleotide variant.
Coding change: c.336C>G on transcript NM_130384.3 (MANE Select); coding-DNA position 336, C replaced by G.
Protein change: p.Phe112Leu; replaces phenylalanine 112 with leucine.
Molecular consequence: missense variant. On other transcripts: 5 prime UTR variant (1), non-coding transcript variant (1).
Genome position (GRCh38, 1-based): chr3:48,450,125, C>G. VCF-style: chr3-48450125-C-G. GRCh37 (hg19) VCF-style: chr3-48491531-C-G.
Other names: c.-129C>G (NM_001271022.2); c.57C>G, p.Phe19Leu (NM_001271023.2); c.336C>G, p.Phe112Leu (NM_032166.4); short protein forms F19L, F112L.
Identifiers: ClinVar variation 4644598 (VCV004644598.1).

ClinVar aggregate classification (germline): Uncertain significance (1 of 4 stars; one submission).

gnomAD v4.1: 1 of 1,612,750 alleles (0.000062%); highest among the groups gnomAD compares: Non-Finnish European, 0.000085%; no homozygotes.

Submission:

Ambry Genetics
Classification: Uncertain significance. Last evaluated: 2025-11-29. Review status: criteria provided, single submitter. Criteria: Ambry Variant Classification Scheme 2023. Collection method: clinical testing. Allele origin: germline.
Comment: The p.F112L variant (also known as c.336C>G), located in coding exon 2 of the ATRIP gene, results from a C to G substitution at nucleotide position 336. The phenylalanine at codon 112 is replaced by leucine, an amino acid with highly similar properties. This amino acid position is conserved. In addition, this alteration is predicted to be tolerated by in silico analysis. Based on the available evidence, the clinical significance of this variant remains unclear.